The following is an entry in ClinVar:

ClinVar aggregate classification (germline): Uncertain significance (1 of 4 stars; one submission).

Conditions:
Autoimmune interstitial lung disease-arthritis syndrome. Also called: Autoinflammation and autoimmunity, systemic, with immune dysregulation. Identifiers: Orphanet 444092, MedGen C5975714, MONDO:0014629.

Submission:

Labcorp Genetics (formerly Invitae), Labcorp
Classification: Uncertain significance for Autoimmune interstitial lung disease-arthritis syndrome. Last evaluated: 2024-11-21. Review status: criteria provided, single submitter. Criteria: Invitae Variant Classification Sherloc (09022015). Collection method: clinical testing. Allele origin: germline.
Comment: This sequence change replaces isoleucine, which is neutral and non-polar, with threonine, which is neutral and polar, at codon 1054 of the COPA protein (p.Ile1054Thr). This variant is not present in population databases (gnomAD no frequency). This variant has not been reported in the literature in individuals affected with COPA-related conditions. Invitae Evidence Modeling of protein sequence and biophysical properties (such as structural, functional, and spatial information, amino acid conservation, physicochemical variation, residue mobility, and thermodynamic stability) indicates that this missense variant is not expected to disrupt COPA protein function with a negative predictive value of 80%. In summary, the available evidence is currently insufficient to determine the role of this variant in disease. Therefore, it has been classified as a Variant of Uncertain Significance.

NM_004371.4(COPA):c.3161T>C (p.Ile1054Thr)

Gene: COPA (coat protein complex I subunit alpha; minus strand). Cytogenetic location: 1q23.2.
Variant type: single nucleotide variant.
Coding change: c.3161T>C on transcript NM_004371.4 (MANE Select); coding-DNA position 3161, T replaced by C.
Protein change: p.Ile1054Thr; replaces isoleucine 1054 with threonine.
Molecular consequence: missense variant.
Genome position (GRCh38, 1-based): chr1:160,291,916, A>G on the plus strand (T>C on the coding strand, the complement: COPA is on the minus strand). VCF-style: chr1-160291916-A-G. GRCh37 (hg19) VCF-style: chr1-160261706-A-G.
Other names: c.3188T>C, p.Ile1063Thr (NM_001098398.2); short protein forms I1054T, I1063T.
Identifiers: ClinVar variation 3707671 (VCV003707671.2).